The following is an entry in ClinVar:

ClinVar aggregate classification (germline): Uncertain significance. Review status: criteria provided, multiple submitters, no conflicts (2 of 4 stars). 4 submissions from 4 submitters: Uncertain significance (4). Last evaluated 2026-01-13.

Conditions:
Hereditary cancer-predisposing syndrome. Also called: Neoplastic Syndromes, Hereditary; Tumor predisposition; Hereditary Cancer Syndrome; Hereditary neoplastic syndrome. Identifiers: Orphanet 140162, MedGen C0027672, MeSH D009386, MONDO:0015356.
Retinoblastoma (RB1). Also called: RETINOBLASTOMA, SOMATIC. Identifiers: Orphanet 790, MedGen C0035335, MeSH D012175, MONDO:0008380, OMIM 180200, HP:0009919. Disease mechanism: loss of function. Inheritance: Both sporadic and heritable forms are tested..

Submissions (4):

Labcorp Genetics (formerly Invitae), Labcorp
Classification: Uncertain significance for Retinoblastoma. Last evaluated: 2026-01-13. Review status: criteria provided, single submitter. Criteria: Invitae Variant Classification Sherloc (09022015). Collection method: clinical testing. Allele origin: germline.
Comment: This variant, c.1070_1072del, results in the deletion of 1 amino acid(s) of the RB1 protein (p.Pro357del), but otherwise preserves the integrity of the reading frame. This variant is not present in population databases (gnomAD no frequency). This variant has not been reported in the literature in individuals affected with RB1-related conditions. Experimental studies and prediction algorithms are not available or were not evaluated, and the functional significance of this variant is currently unknown. In summary, the available evidence is currently insufficient to determine the role of this variant in disease. Therefore, it has been classified as a Variant of Uncertain Significance.

Ambry Genetics
Classification: Uncertain significance for Hereditary cancer-predisposing syndrome. Last evaluated: 2025-08-26. Review status: criteria provided, single submitter. Criteria: Ambry Variant Classification Scheme 2023. Collection method: clinical testing. Allele origin: germline.
Comment: The c.1070_1072delCAC variant (also known as p.P357del) is located in coding exon 11 of the RB1 gene. This variant results from an in-frame CAC deletion at nucleotide positions 1070 to 1072. This results in the in-frame deletion of a proline at codon 357. This amino acid position is highly conserved in available vertebrate species. In addition, the in silico prediction for this alteration is inconclusive (Choi Y et al. PLoS ONE. 2012; 7(10):e46688). Since supporting evidence is limited at this time, the clinical significance of this alteration remains unclear.

GeneDx
Classification: Uncertain significance. Last evaluated: 2025-07-06. Review status: criteria provided, single submitter. Criteria: GeneDx Variant Classification Process June 2021. Collection method: clinical testing. Allele origin: germline. Affected: yes.
Comment: Not observed at significant frequency in large population cohorts (gnomAD); In-frame deletion of 1 amino acid(s) in a non-repeat region; In silico analysis supports a deleterious effect on protein structure/function; Has not been previously published as pathogenic or benign to our knowledge

Color Diagnostics, LLC DBA Color Health
Classification: Uncertain significance for Retinoblastoma. Last evaluated: 2025-06-25. Review status: criteria provided, single submitter. Criteria: ACMG Guidelines, 2015. Collection method: clinical testing. Allele origin: germline.
Comment: This variant results in a single amino acid deletion in the RB1 protein. To our knowledge, functional studies have not been reported for this variant. This variant has not been reported in individuals affected with RB1-related disorders in the literature. This variant has not been identified in the general population by the Genome Aggregation Database (gnomAD). The available evidence is insufficient to determine the role of this variant in disease conclusively. Therefore, this variant is classified as a Variant of Uncertain Significance.

NM_000321.3(RB1):c.1067CAC[1] (p.Pro357del)

Gene: RB1 (RB transcriptional corepressor 1; plus strand). Cytogenetic location: 13q14.2.
Variant type: Microsatellite.
Coding change: c.1067CAC[1] on transcript NM_000321.3 (MANE Select); one copy of the 3-base unit CAC starting at c.1067; the reference has two copies in a row; one copy, 3 bases deleted; also written c.1070_1072del.
Protein change: p.Pro357del; deletes proline 357.
Molecular consequence: inframe deletion. On other transcripts: inframe indel (4).
Genome position (GRCh38, 1-based): chr13:48,368,547-48,368,549, CAC deleted; deleting any 3 consecutive bases within chr13:48,368,544-48,368,549 gives the same sequence; the position shown is the placement nearest the transcript's 3' end. VCF-style (leftmost placement, unchanged base first): chr13-48368543-ACAC-A. GRCh37 (hg19) VCF-style: chr13-48942679-ACAC-A.
Other names: c.1067_1069CAC[1], p.Pro357del (NM_000321.2, NM_001407165.1, NM_001407166.1); c.1070_1072delCAC (NM_000321.2); c.1070_1072del (NM_000321.3); short protein forms P357del.
Identifiers: ClinVar variation 1783135 (VCV001783135.8), dbSNP rs1952726639, ClinGen allele CA2089983820.
Genomic context (GRCh38, chr13:48,368,543, plus strand): 5'-TGTAAATTTTCAGTATGTGAATGACTTCACTTATTGTTATTTAGTTTTGAAACACAGAGA[ACAC>A]CACGAAAAAGTAACCTTGATGAAGAGGTGAATGTAATTCCTCCACACACTCCAGTTAGGT-3'